The following is an entry in ClinVar:

ClinVar aggregate classification (germline): Likely benign (0 of 4 stars; one submission).

Conditions:
TTN-related disorder. Also called: TTN-related condition; TTN-related disease; TTN-related disorders.

Submission:

PreventionGenetics, part of Exact Sciences
Classification: Likely benign for TTN-related condition. Last evaluated: 2023-05-16. Review status: no assertion criteria provided. Collection method: clinical testing. Allele origin: germline.
Comment: This variant is classified as likely benign based on ACMG/AMP sequence variant interpretation guidelines (Richards et al. 2015 PMID: 25741868, with internal and published modifications).

NM_001267550.2(TTN):c.106233A>G (p.Lys35411=)

Genes: TTN (titin; minus strand), TTN-AS1 (TTN antisense RNA 1; plus strand). Cytogenetic location: 2q31.2.
Variant type: single nucleotide variant.
Coding change: c.106233A>G on transcript NM_001267550.2 (MANE Select); coding-DNA position 106233, A replaced by G.
Protein change: p.Lys35411=; no amino-acid change (lysine 35411 retained).
Molecular consequence: synonymous variant.
Genome position (GRCh38, 1-based): chr2:178,530,382, T>C on the plus strand (A>G on the coding strand, the complement: TTN is on the minus strand). VCF-style: chr2-178530382-T-C. GRCh37 (hg19) VCF-style: chr2-179395109-T-C.
Other names: c.101310A>G, p.Lys33770= (NM_001256850.1); c.79038A>G, p.Lys26346= (NM_003319.4); c.98529A>G, p.Lys32843= (NM_133378.4); c.79413A>G, p.Lys26471= (NM_133432.3); c.79614A>G, p.Lys26538= (NM_133437.4).
Identifiers: ClinVar variation 3051597 (VCV003051597.2), dbSNP rs1157720013, ClinGen allele CA430235257.